The following is an entry in ClinVar:

NM_015650.4(TRAF3IP1):c.1159G>T (p.Gly387Ter)

Gene: TRAF3IP1 (TRAF3 interacting protein 1; plus strand). Cytogenetic location: 2q37.3.
Variant type: single nucleotide variant.
Coding change: c.1159G>T on transcript NM_015650.4 (MANE Select); coding-DNA position 1159, G replaced by T.
Protein change: p.Gly387Ter; replaces glycine 387 with a stop codon.
Molecular consequence: nonsense. On other transcripts: intron variant (1).
Genome position (GRCh38, 1-based): chr2:238,338,457, G>T. VCF-style: chr2-238338457-G-T. GRCh37 (hg19) VCF-style: chr2-239247098-G-T.
Other names: c.1063+4422G>T (NM_001139490.1); short protein forms G387*.
Identifiers: ClinVar variation 852433 (VCV000852433.8), dbSNP rs538383901, ClinGen allele CA2198291.

ClinVar aggregate classification (germline): Pathogenic (1 of 4 stars; one submission).

Allele frequency attached by ClinVar (database versions not stated): gnomAD 0.00001; gnomAD exomes 0.00001; ExAC 0.00002; 1000 Genomes Project 30x 0.00016; 1000 Genomes Project 0.00020.
gnomAD v4.1: 12 of 1,539,388 alleles (0.00078%); highest among the groups gnomAD compares: South Asian, 0.014%; no homozygotes.

Submission:

Labcorp Genetics (formerly Invitae), Labcorp
Classification: Pathogenic. Last evaluated: 2024-02-24. Review status: criteria provided, single submitter. Criteria: Invitae Variant Classification Sherloc (09022015). Collection method: clinical testing. Allele origin: germline.
Comment: This sequence change creates a premature translational stop signal (p.Gly387*) in the TRAF3IP1 gene. It is expected to result in an absent or disrupted protein product. Loss-of-function variants in TRAF3IP1 are known to be pathogenic (PMID: 21945076, 26487268, 29068549). The frequency data for this variant in the population databases is considered unreliable, as metrics indicate poor data quality at this position in the gnomAD database. This variant has not been reported in the literature in individuals affected with TRAF3IP1-related conditions. ClinVar contains an entry for this variant (Variation ID: 852433). Algorithms developed to predict the effect of sequence changes on RNA splicing suggest that this variant may disrupt the consensus splice site. For these reasons, this variant has been classified as Pathogenic.

Literature cited by the submitters: PubMed 21945076; PubMed 26487268; PubMed 29068549.